The following is an entry in ClinVar:

ClinVar aggregate classification (germline): Likely benign. Review status: criteria provided, multiple submitters, no conflicts (2 of 4 stars). 8 submissions from 7 submitters: Likely benign (4). 4 of the submissions do not count toward it. Last evaluated 2026-01-19.

Conditions:
Cardiovascular phenotype. Identifiers: MedGen CN230736.
Cardiac arrest. Identifiers: MedGen C0018790, MONDO:0000745, HP:0001695.
Long QT syndrome (LQTS). Identifiers: MedGen C0023976, MeSH D008133, MONDO:0002442. Disease mechanism: loss of function. Inheritance: Various modes of inheritance.
Long QT syndrome 2 (LQT2). Identifiers: Orphanet 101016, Orphanet 768, MedGen C3150943, MONDO:0013367, OMIM 613688.

Allele frequency attached by ClinVar (database versions not stated): ESP Exome Variant Server 0.00015; 1000 Genomes Project 30x 0.00016; 1000 Genomes Project 0.00020; TOPMed 0.00020; gnomAD 0.00031; gnomAD exomes 0.00035 and 0.00038; ExAC 0.00072.
gnomAD v4.1: 583 of 1,565,676 alleles (0.037%); highest among the groups gnomAD compares: Non-Finnish European, 0.041%; 1 homozygote.

Submissions (8):

Labcorp Genetics (formerly Invitae), Labcorp
Classification: Likely benign for Long QT syndrome. Last evaluated: 2026-01-19. Review status: criteria provided, single submitter. Criteria: Invitae Variant Classification Sherloc (09022015). Collection method: clinical testing. Allele origin: germline.

Ambry Genetics
Classification: Likely benign for Cardiovascular phenotype. Last evaluated: 2018-10-28. Review status: criteria provided, single submitter. Criteria: Ambry Variant Classification Scheme 2023. Collection method: clinical testing. Allele origin: germline.

Biesecker Lab/Clinical Genomics Section, National Institutes of Health
Classification: Likely benign. Last evaluated: 2013-06-24. Review status: criteria provided, single submitter. Criteria: Ng et al. (Circ Cardiovasc Genet. 2013). Collection method: research. Allele origin: unknown. Observed: 1 variant allele. Study: ClinSeq.
Comment: The study set was not selected for affection status in relation to any cancer. Pathogenicity categories were based on literature curation. See Pubmed ID:23861362 for details.

Medical sequencing

GeneDx
Classification: Likely benign. Last evaluated: 2011-08-23. Review status: criteria provided, single submitter. Criteria: GeneDx Variant Classification (06012015). Collection method: clinical testing. Allele origin: germline. Affected: yes.
Comment: This variant is considered likely benign or benign based on one or more of the following criteria: it is a conservative change, it occurs at a poorly conserved position in the protein, it is predicted to be benign by multiple in silico algorithms, and/or has population frequency not consistent with disease.

Blueprint Genetics
Classification: Uncertain significance for Cardiac Arrest. Last evaluated: 2014-05-26. Review status: no assertion criteria provided. Collection method: clinical testing. Allele origin: germline. Affected: yes. Observed: 1 variant allele. Not counted in ClinVar's aggregate classification.

Blueprint Genetics
Classification: Uncertain significance for Long QT syndrome 2. Last evaluated: 2014-05-26. Review status: no assertion criteria provided. Collection method: clinical testing. Allele origin: germline. Affected: yes. Observed: 1 variant allele. Not counted in ClinVar's aggregate classification.
Comment: Found together with pathogenic KCNH2:NM_000238.3:c.2738C>T

Clinical Genetics, Academic Medical Center
Classification: Likely benign. Review status: no assertion criteria provided. Collection method: clinical testing. Allele origin: germline. Affected: yes. Study: VKGL Data-share Consensus. Not counted in ClinVar's aggregate classification.

Joint Genome Diagnostic Labs from Nijmegen and Maastricht, Radboudumc and MUMC+
Classification: Likely benign. Review status: no assertion criteria provided. Collection method: clinical testing. Allele origin: germline. Affected: yes. Study: VKGL Data-share Consensus. Not counted in ClinVar's aggregate classification.

NM_005751.5(AKAP9):c.1099G>A (p.Val367Met)

Gene: AKAP9 (A-kinase anchoring protein 9; plus strand). Cytogenetic location: 7q21.2.
Variant type: single nucleotide variant.
Coding change: c.1099G>A on transcript NM_005751.5 (MANE Select); coding-DNA position 1099, G replaced by A.
Protein change: p.Val367Met; replaces valine 367 with methionine.
Molecular consequence: missense variant.
Genome position (GRCh38, 1-based): chr7:92,001,016, G>A. VCF-style: chr7-92001016-G-A. GRCh37 (hg19) VCF-style: chr7-91630330-G-A.
Other names: p.V367M:GTG>ATG; c.1099G>A, p.Val367Met (NM_147185.3); short protein forms V367M.
Identifiers: ClinVar variation 180260 (VCV000180260.18), dbSNP rs138161478, ClinGen allele CA235628.